The following is an entry in ClinVar:

ClinVar aggregate classification (germline): Benign/Likely benign. Review status: criteria provided, multiple submitters, no conflicts (2 of 4 stars). 4 submissions from 4 submitters: Benign (1); Likely benign (2). 1 of the submissions does not count toward it. Last evaluated 2025-09-15.

Conditions:
SMOC1-related disorder. Also called: SMOC1-related condition.

Allele frequency attached by ClinVar (database versions not stated): 1000 Genomes Project 0.00040; 1000 Genomes Project 30x 0.00062; gnomAD exomes 0.00111 and 0.00206; ExAC 0.00119; gnomAD 0.00128 and 0.00150; TOPMed 0.00145; ESP Exome Variant Server 0.00154.
gnomAD v4.1: 3,246 of 1,614,174 alleles (0.2%); highest among the groups gnomAD compares: Non-Finnish European, 0.24%; 8 homozygotes.

Submissions (4):

Labcorp Genetics (formerly Invitae), Labcorp
Classification: Benign. Last evaluated: 2025-09-15. Review status: criteria provided, single submitter. Criteria: Invitae Variant Classification Sherloc (09022015). Collection method: clinical testing. Allele origin: germline.

Blueprint Genetics
Classification: Likely benign. Last evaluated: 2024-11-25. Review status: criteria provided, single submitter. Criteria: ACMG Guidelines, 2015. Collection method: clinical testing. Allele origin: germline.

CeGaT Center for Human Genetics Tuebingen
Classification: Likely benign. Last evaluated: 2023-03-01. Review status: criteria provided, single submitter. Criteria: CeGaT Center For Human Genetics Tuebingen Variant Classification Criteria Version 2. Collection method: clinical testing. Allele origin: germline. Affected: yes. Observed: 2 variant alleles.
Comment: SMOC1: BS2

PreventionGenetics, part of Exact Sciences
Classification: Likely benign for SMOC1-related condition. Last evaluated: 2022-04-05. Review status: no assertion criteria provided. Collection method: clinical testing. Allele origin: germline. Not counted in ClinVar's aggregate classification.
Comment: This variant is classified as likely benign based on ACMG/AMP sequence variant interpretation guidelines (Richards et al. 2015 PMID: 25741868, with internal and published modifications).

NM_001034852.3(SMOC1):c.103C>G (p.Leu35Val)

Gene: SMOC1 (SPARC related modular calcium binding 1; plus strand). Cytogenetic location: 14q24.2.
Variant type: single nucleotide variant.
Coding change: c.103C>G on transcript NM_001034852.3 (MANE Select); coding-DNA position 103, C replaced by G.
Protein change: p.Leu35Val; replaces leucine 35 with valine.
Molecular consequence: missense variant.
Genome position (GRCh38, 1-based): chr14:69,952,141, C>G. VCF-style: chr14-69952141-C-G. GRCh37 (hg19) VCF-style: chr14-70418858-C-G.
Other names: c.103C>G, p.Leu35Val (NM_022137.6); short protein forms L35V.
Identifiers: ClinVar variation 769863 (VCV000769863.35), dbSNP rs139737624, ClinGen allele CA7246358.